The following is an entry in ClinVar:

ClinVar aggregate classification (germline): Likely pathogenic (1 of 4 stars; one submission).

Conditions:
Combined malonic and methylmalonic acidemia. Identifiers: Orphanet 289504, MedGen C3280314, MONDO:0013661, OMIM 614265.

Submission:

Natera, Inc.
Classification: Likely pathogenic for Combined malonic and methylmalonic aciduria. Last evaluated: 2026-01-12. Review status: criteria provided, single submitter. Criteria: Natera Variant Classification Schema (03/2026). Collection method: clinical testing. Allele origin: germline.
Comment: The c.1A>T variant in ACSF3 is predicted to result in start loss due to disruption of the initiator methionine. This variant is expected to result in nonsense mediated decay, truncation, or a dysfunctional protein product. This variant is rare in the general population with a frequency below the threshold expected for the associated phenotype(s). Given the available evidence, this variant is classified as Likely Pathogenic.

NM_001243279.3(ACSF3):c.1A>T (p.Met1Leu)

Gene: ACSF3 (acyl-CoA synthetase family member 3; plus strand). Cytogenetic location: 16q24.3.
Variant type: single nucleotide variant.
Coding change: c.1A>T on transcript NM_001243279.3 (MANE Select); coding-DNA position 1, A replaced by T.
Protein change: p.Met1Leu; changes the start codon (methionine 1).
Molecular consequence: missense variant, initiator codon variant. On other transcripts: non-coding transcript variant (3), intron variant (1).
Genome position (GRCh38, 1-based): chr16:89,100,682, A>T. VCF-style: chr16-89100682-A-T. GRCh37 (hg19) VCF-style: chr16-89167090-A-T.
Other names: c.1A>T, p.Met1Leu (NM_001127214.4, NM_174917.5); c.-129-1922A>T (NM_001284316.2); short protein forms M1L.
Identifiers: ClinVar variation 4816972 (VCV004816972.1).